The following is an entry in ClinVar:

ClinVar aggregate classification (germline): Likely pathogenic (1 of 4 stars; one submission).

Conditions:
Neurodevelopmental disorder with impaired speech and hyperkinetic movements. Identifiers: MedGen C5193088, MONDO:0032741, OMIM 618425.

Submission:

Molecular Genetics Department, Kulakov National Medical Research Center for Obstetrics, Gynecology and Perinatology
Classification: Likely pathogenic for Neurodevelopmental disorder with impaired speech and hyperkinetic movements. Review status: criteria provided, single submitter. Criteria: ACMG Guidelines, 2015. Collection method: clinical testing. Allele origin: germline. Affected: yes. Observed: 1 variant allele.
Comment: A previously undescribed homozygous nucleotide variant creates a frameshift p.Glu1677LysfsTer47 in the ZNF142 gene. Homozygous and compound heterozygous variants are reported in patients with neurodevelopmental disorder with impaired speech and hyperkinetic movements, 618425. The variant is not present in population database (gnomAD no frequency). In summary, the currently available evidence indicates that the variant is pathogenic, but additional data are needed to prove that conclusively. Therefore, this variant has been classified as likely pathogenic.

NM_001379659.1(ZNF142):c.5029del (p.Glu1677fs)

Gene: ZNF142 (zinc finger protein 142; minus strand). Cytogenetic location: 2q35.
Variant type: Deletion.
Coding change: c.5029del on transcript NM_001379659.1 (MANE Select); coding-DNA position 5029, one base deleted (G; older notation c.5029delG).
Protein change: p.Glu1677fs; shifts the reading frame from glutamic acid 1677.
Molecular consequence: frameshift variant.
Genome position (GRCh38, 1-based): chr2:218,642,087, C deleted on the plus strand (G on the coding strand, the reverse complement: ZNF142 is on the minus strand); the first of 4 consecutive C bases (chr2:218,642,087-218,642,090); deleting any one gives the same sequence. VCF-style (leftmost placement, unchanged base first): chr2-218642086-TC-T. GRCh37 (hg19) VCF-style: chr2-219506809-TC-T.
Other names: c.3937delG, p.Glu1314Lysfs (NM_001366288.3, NM_001366289.3, NM_001366287.3); c.5029del, p.Glu1677fs (NM_001366290.3, NM_001379660.1, NM_001379661.1); c.4426delG, p.Glu1477Lysfs (NM_001366291.3, NM_001105537.5); c.4429del, p.Glu1477fs (NM_001379662.1); short protein forms E1477fs, E1314fs, E1677fs.
Identifiers: ClinVar variation 4294536 (VCV004294536.1).